The following is an entry in ClinVar:

ClinVar aggregate classification (germline): Uncertain significance (0 of 4 stars; one submission).

Conditions:
NEK8-related disorder. Also called: NEK8-related condition.

Submission:

PreventionGenetics, part of Exact Sciences
Classification: Uncertain significance for NEK8-related condition. Last evaluated: 2024-08-26. Review status: no assertion criteria provided. Collection method: clinical testing. Allele origin: germline.
Comment: The NEK8 c.1217T>C variant is predicted to result in the amino acid substitution p.Leu406Pro. To our knowledge, this variant has not been reported in the literature or in a large population database, indicating this variant is rare. At this time, the clinical significance of this variant is uncertain due to the absence of conclusive functional and genetic evidence.

NM_178170.3(NEK8):c.1217T>C (p.Leu406Pro)

Genes: NEK8 (NIMA related kinase 8; plus strand), LOC130060569 (ATAC-STARR-seq lymphoblastoid active region 11946; plus strand). Cytogenetic location: 17q11.2.
Variant type: single nucleotide variant.
Coding change: c.1217T>C on transcript NM_178170.3 (MANE Select); coding-DNA position 1217, T replaced by C.
Protein change: p.Leu406Pro; replaces leucine 406 with proline.
Molecular consequence: missense variant.
Genome position (GRCh38, 1-based): chr17:28,738,240, T>C. VCF-style: chr17-28738240-T-C. GRCh37 (hg19) VCF-style: chr17-27065258-T-C.
Other names: short protein forms L406P.
Identifiers: ClinVar variation 3344779 (VCV003344779.1).